The following is an entry in ClinVar:

ClinVar aggregate classification (germline): Pathogenic (1 of 4 stars; one submission).

Conditions:
Hereditary breast ovarian cancer syndrome. Also called: Hereditary breast and ovarian cancer syndrome; Breast and ovarian cancer; Hereditary breast and ovarian cancer; Hereditary breast and/or ovarian cancer syndrome; Hereditary breast and ovarian cancer syndrome (HBOC); BRCA1- and BRCA2-Associated Hereditary Breast and Ovarian Cancer. Identifiers: Orphanet 145, MedGen C0677776, MeSH D061325, MONDO:0003582. Disease mechanism: loss of function.

Submission:

Labcorp Genetics (formerly Invitae), Labcorp
Classification: Pathogenic for Hereditary breast ovarian cancer syndrome. Last evaluated: 2018-01-28. Review status: criteria provided, single submitter. Criteria: Invitae Variant Classification Sherloc (09022015). Collection method: clinical testing. Allele origin: germline.
Comment: This variant is not present in population databases (ExAC no frequency). This sequence change creates a premature translational stop signal (p.Ser2806Hisfs*15) in the BRCA2 gene. It is expected to result in an absent or disrupted protein product. This variant has not been reported in the literature in individuals with BRCA2-related disease. For these reasons, this variant has been classified as Pathogenic. Loss-of-function variants in BRCA2 are known to be pathogenic (PMID: 20104584).

Literature cited by the submitters: PubMed 20104584.

NM_000059.4(BRCA2):c.8416del (p.Ser2806fs)

Gene: BRCA2 (BRCA2 DNA repair associated; plus strand). Cytogenetic location: 13q13.1.
Variant type: Deletion.
Coding change: c.8416del on transcript NM_000059.4 (MANE Select); coding-DNA position 8416, one base deleted (T; older notation c.8416delT).
Protein change: p.Ser2806fs; shifts the reading frame from serine 2806.
Molecular consequence: frameshift variant.
Genome position (GRCh38, 1-based): chr13:32,370,486, T deleted. VCF-style (leftmost placement, unchanged base first): chr13-32370485-AT-A. GRCh37 (hg19) VCF-style: chr13-32944622-AT-A.
Other names: c.8416delT (NM_000059.3); short protein forms S2806fs.
Identifiers: ClinVar variation 569600 (VCV000569600.7), dbSNP rs1566248843, ClinGen allele CA891843895.